The following is an entry in ClinVar:

NM_000132.4(F8):c.3885C>G (p.Asn1295Lys)

Gene: F8 (coagulation factor VIII; minus strand). Cytogenetic location: Xq28.
Variant type: single nucleotide variant.
Coding change: c.3885C>G on transcript NM_000132.4 (MANE Select); coding-DNA position 3885, C replaced by G.
Protein change: p.Asn1295Lys; replaces asparagine 1295 with lysine.
Molecular consequence: missense variant.
Genome position (GRCh38, 1-based): chrX:154,929,905, G>C on the plus strand (C>G on the coding strand, the complement: F8 is on the minus strand). VCF-style: chrX-154929905-G-C. GRCh37 (hg19) VCF-style: chrX-154158180-G-C.
Other names: short protein forms N1295K.
Identifiers: ClinVar variation 368118 (VCV000368118.6), dbSNP rs201393905, ClinGen allele CA10568166.

ClinVar aggregate classification (germline): Likely benign. Review status: criteria provided, multiple submitters, no conflicts (2 of 4 stars). 2 submissions from 2 submitters: Likely benign (2). Last evaluated 2022-10-17.

Conditions:
Hereditary factor VIII deficiency disease (HEMA). Also called: Hemophilia A, congenital; HEM A; Factor 8 deficiency, congenital; AUTOSOMAL HEMOPHILIA A; Hemophilia A; HEMOPHILIA, CLASSIC. Identifiers: Orphanet 98878, MedGen C0019069, MONDO:0010602, OMIM 306700.

Allele frequency attached by ClinVar (database versions not stated): TOPMed 0.00007; ESP Exome Variant Server 0.00009; ExAC 0.00010; gnomAD 0.00010 and 0.00011; gnomAD exomes 0.00011.
gnomAD v4.1: 122 of 1,209,506 alleles (0.01%); highest among the groups gnomAD compares: Non-Finnish European, 0.013%; no homozygotes.

Submissions (2):

Blueprint Genetics
Classification: Likely benign. Last evaluated: 2022-10-17. Review status: criteria provided, single submitter. Criteria: ACMG Guidelines, 2015. Collection method: clinical testing. Allele origin: germline.

Illumina Laboratory Services, Illumina
Classification: Likely benign for Hereditary factor VIII deficiency disease. Last evaluated: 2018-01-13. Review status: criteria provided, single submitter. Criteria: ICSL Variant Classification Criteria 13 December 2019. Collection method: clinical testing. Allele origin: germline.
Comment: This variant was observed in the ICSL laboratory as part of a predisposition screen in an ostensibly healthy population. It had not been previously curated by ICSL or reported in the Human Gene Mutation Database (HGMD: prior to June 1st, 2018), and was therefore a candidate for classification through an automated scoring system. Utilizing variant allele frequency, disease prevalence and penetrance estimates, and inheritance mode, an automated score was calculated to assess if this variant is too frequent to cause the disease. Based on the score and internal cut-off values, a variant classified as likely benign is not then subjected to further curation. The score for this variant resulted in a classification of likely benign for this disease.